The following is an entry in ClinVar:

ClinVar aggregate classification (germline): Likely pathogenic. Review status: criteria provided, multiple submitters, no conflicts (2 of 4 stars). 4 submissions from 4 submitters: Likely pathogenic (3). 1 of the submissions does not count toward it. Last evaluated 2025-09-17.

Conditions:
ALG6-congenital disorder of glycosylation 1C (CDG1C). Also called: Congenital disorder of glycosylation, type Ic; CARBOHYDRATE-DEFICIENT GLYCOPROTEIN SYNDROME, TYPE I, WITH DEFICIENT GLYCOSYLATION OF DOLICHOL-LINKED OLIGOSACCHARIDE; CARBOHYDRATE-DEFICIENT GLYCOPROTEIN SYNDROME, TYPE V; Congenital disorder of glycosylation type 1C; CDG Ic. Identifiers: Orphanet 79320, MedGen C2930997, MONDO:0011291, OMIM 603147.

Submissions (4):

Natera, Inc.
Classification: Likely pathogenic for Congenital disorder of glycosylation type 1c. Last evaluated: 2025-09-17. Review status: criteria provided, single submitter. Criteria: Natera Variant Classification Schema (03/2026). Collection method: clinical testing. Allele origin: germline.
Comment: The c.5909-46_5943delAAGCCTTATCCTCCCAGGGACTGACAATTTTCCCTTTGTCCATTAGGGGGCAAGCTGATTTTCATGGCCCCAGGACCCATC variant in PKHD1 is a deletion affecting a canonical splice acceptor site. This variant is expected to result in nonsense mediated decay, truncation, or a dysfunctional protein product. This variant is rare in the general population with a frequency below the threshold expected for the associated phenotype(s). Given the available evidence, this variant is classified as Likely Pathogenic.

Labcorp Genetics (formerly Invitae), Labcorp
Classification: Likely pathogenic for ALG6-congenital disorder of glycosylation 1C. Last evaluated: 2024-01-19. Review status: criteria provided, single submitter. Criteria: Invitae Variant Classification Sherloc (09022015). Collection method: clinical testing. Allele origin: germline.
Comment: This variant results in the deletion of part of exon 2 (c.82_82+8del) of the ALG6 gene. It is expected to disrupt RNA splicing. Variants that disrupt the donor or acceptor splice site typically lead to a loss of protein function (PMID: 16199547), and loss-of-function variants in ALG6 are known to be pathogenic (PMID: 19862844). This variant is present in population databases (no rsID available, gnomAD 0.007%). This variant has not been reported in the literature in individuals affected with ALG6-related conditions. ClinVar contains an entry for this variant (Variation ID: 558193). Algorithms developed to predict the effect of sequence changes on RNA splicing suggest that this variant may disrupt the consensus splice site. In summary, the currently available evidence indicates that the variant is pathogenic, but additional data are needed to prove that conclusively. Therefore, this variant has been classified as Likely Pathogenic.

Revvity Omics, Revvity
Classification: Likely pathogenic for ALG6-congenital disorder of glycosylation 1C. Last evaluated: 2022-04-27. Review status: criteria provided, single submitter. Criteria: ACMG Guidelines, 2015. Collection method: clinical testing. Allele origin: germline.

Counsyl
Classification: Likely pathogenic for ALG6-congenital disorder of glycosylation 1C. Last evaluated: 2018-05-04. Review status: no assertion criteria provided. Collection method: clinical testing. Allele origin: unknown. Not counted in ClinVar's aggregate classification.

Literature cited by the submitters: PubMed 16199547 (cited by Labcorp Genetics (formerly Invitae), Labcorp); PubMed 19862844 (cited by Labcorp Genetics (formerly Invitae), Labcorp).

NM_013339.4(ALG6):c.82_82+8del

Gene: ALG6 (ALG6 alpha-1,3-glucosyltransferase; plus strand). Cytogenetic location: 1p31.3.
Variant type: Deletion.
Coding change: c.82_82+8del on transcript NM_013339.4 (MANE Select); coding-DNA position 82 through 8 bases into the intron after coding-DNA position 82, 9 bases deleted (GGTAATACA; older notation c.82_82+8delGGTAATACA).
Molecular consequence: splice donor variant.
Genome position (GRCh38, 1-based): chr1:63,371,059-63,371,067, GGTAATACA deleted; deleting any 9 consecutive bases within chr1:63,371,057-63,371,067 gives the same sequence; the c. name uses the placement nearest the transcript's 3' end. VCF-style (leftmost placement, unchanged base first): chr1-63371056-TCAGGTAATA-T. GRCh37 (hg19) VCF-style: chr1-63836727-TCAGGTAATA-T.
Other names: c.82_82+8del (LRG_1260t1); c.82_82+8delGGTAATACA (NM_013339.3).
Identifiers: ClinVar variation 558193 (VCV000558193.21), dbSNP rs1424742651, ClinGen allele CA523556609.